The following is an entry in ClinVar:

ClinVar aggregate classification (germline): Pathogenic/Likely pathogenic. Review status: criteria provided, multiple submitters, no conflicts (2 of 4 stars). 12 submissions from 11 submitters: Pathogenic (4); Likely pathogenic (5). 3 of the submissions do not count toward it. Last evaluated 2025-08-15.

Conditions:
Congenital factor VII deficiency. Identifiers: Orphanet 327, MedGen C0272320, MONDO:0009211, OMIM 227500.
Myocardial infarction, susceptibility to. Identifiers: MedGen C1832662, MONDO:0012039, OMIM 608446.
F7-related disorder. Also called: F7-related condition.
Abnormal bleeding. Also called: Bleeding diathesis. Identifiers: MedGen C1458140, HP:0001892.
Factor VII deficiency. Also called: F7 DEFICIENCY; HYPOPROCONVERTINEMIA; Factor 7 deficiency. Identifiers: MedGen C0015503, MeSH D005168, MONDO:0002244.

Submissions (12):

Mayo Clinic Laboratories, Mayo Clinic
Classification: Pathogenic. Last evaluated: 2025-08-15. Review status: criteria provided, single submitter. Criteria: ACMG Guidelines, 2015. Collection method: clinical testing. Allele origin: germline. Observed: 7 variant alleles.
Comment: PM2_supporting, PS3, PS4_very_strong, PVS1_strong

GeneDx
Classification: Pathogenic. Last evaluated: 2025-07-11. Review status: criteria provided, single submitter. Criteria: GeneDx Variant Classification Process June 2021. Collection method: clinical testing. Allele origin: germline. Affected: yes.
Comment: Frameshift variant predicted to result in abnormal protein length as the last 3 amino acid(s) are replaced with 31 different amino acid(s) and in vitro function study suggests that the variant impairs Factor VII activity level (PMID: 15456489); This variant is associated with the following publications: (PMID: 24533960, 36944032, 31064749, 29246447, 22180436, 7919338, 37647632, 18976247, 27227566, 37521340, 15735798, 15456489, 11092214, 37761907, 29618153, 38202056)

PreventionGenetics, part of Exact Sciences
Classification: Pathogenic for F7-related condition. Last evaluated: 2025-02-13. Review status: criteria provided, single submitter. Criteria: ACMG Guidelines, 2015. Collection method: clinical testing. Allele origin: germline.
Comment: The F7 c.1391delC variant is predicted to result in a frameshift and premature protein termination (p.Pro464Hisfs*32). This variant, previously described as p.Pro404Hisfs*32 using legacy nomenclature, has been reported to be causative for Factor VII Deficiency, and to our knowledge, has always been reported in a cis configuration (i.e. on the same allele) with the c.1061C>T (p.Ala354Val) variant described above in this patient (Arbini et al. 1994. PubMed ID: 7919338; Batorova et al. 2014. PubMed ID: 24533960). Functional in vitro studies have shown that the p.Pro464Hisfs*32 variant results in inefficient secretion from the endoplasmic reticulum (Andersen et al. 2018. PubMed ID: 29618153; Chollet et al. 2018. PubMed ID: 29246447). This variant is reported in 0.014% of alleles in individuals of European (Non-Finnish) descent in gnomAD. Frameshift variants in F7 are expected to be pathogenic. This variant is interpreted as pathogenic.

Fulgent Genetics
Classification: Likely pathogenic for Congenital factor VII deficiency; Myocardial infarction, susceptibility to. Last evaluated: 2024-03-23. Review status: criteria provided, single submitter. Criteria: ACMG Guidelines, 2015. Collection method: clinical testing. Allele origin: germline.

Victorian Clinical Genetics Services, Murdoch Childrens Research Institute
Classification: Pathogenic for Congenital factor VII deficiency. Last evaluated: 2023-12-21. Review status: criteria provided, single submitter. Criteria: ACMG Guidelines, 2015. Collection method: clinical testing. Allele origin: germline. Inheritance: Autosomal recessive inheritance. Affected: yes.
Comment: Based on the classification scheme VCGS_Germline_v1.3.4, this variant is classified as Pathogenic. Following criteria are met: 0102 - Loss of function is a known mechanism of disease in this gene and is associated with factor VII deficiency (MIM#227500) and myocardial infarction, decreased susceptibility to (MIM#608446). (I) 0106 - This gene is associated with autosomal recessive disease. (I) 0115 - Variants in this gene are known to have variable expressivity. Patients with the same genotype have been observed with phenotypes ranging from asymptomatic to symptomatic (PMID: 18976247). (I) 0208 - Variant is predicted to result in an elongated protein. (SP) 0252 - This variant is homozygous. (I) 0304 - Variant is present in gnomAD (v3) <0.01 for a recessive condition (18 heterozygotes, 0 homozygotes). (SP) 0604 - Variant is not located in an established domain, motif, hotspot or informative constraint region. (I) 0705 - No comparable PTC variants have previous evidence for pathogenicity. (I) 0801 - This variant has strong previous evidence of pathogenicity in unrelated individuals. This variant has been observed in many individuals homozygote for this variant in cis with p.(Ala332Val), and in compound heterozygote individuals, with reduced FVII activity. It has also been reported as pathogenic and likely pathogenic in ClinVar (PMID: 18976247). (SP) 1208 - Inheritance information for this variant is not currently available in this individual. (I) Legend: (SP) - Supporting pathogenic, (I) - Information, (SB) - Supporting benign

Greenwood Genetic Center Diagnostic Laboratories, Greenwood Genetic Center
Classification: Likely pathogenic. Last evaluated: 2021-02-25. Review status: criteria provided, single submitter. Criteria: ACMG Guidelines, 2015. Collection method: clinical testing. Allele origin: germline. Affected: yes.
Comment: PVS1, PM2

Centre for Mendelian Genomics, University Medical Centre Ljubljana
Classification: Likely pathogenic for Congenital factor VII deficiency. Last evaluated: 2019-09-11. Review status: criteria provided, single submitter. Criteria: ACMG Guidelines, 2015. Collection method: clinical testing. Allele origin: unknown. Affected: yes.
Comment: This variant was classified as: Likely pathogenic. The following ACMG criteria were applied in classifying this variant: PVS1,PM2.

NIHR Bioresource Rare Diseases, University of Cambridge
Classification: Likely pathogenic for Congenital factor VII deficiency. Last evaluated: 2019-02-01. Review status: criteria provided, single submitter. Criteria: ACMG Guidelines, 2015. Collection method: research. Allele origin: unknown. Affected: yes. Observed: 2 heterozygotes, 1 compound heterozygote. Study: ThromboGenomics.

NIHR Bioresource Rare Diseases, University of Cambridge
Classification: Likely pathogenic for Abnormal bleeding. Last evaluated: 2019-02-01. Review status: criteria provided, single submitter. Criteria: ACMG Guidelines, 2015. Collection method: research. Allele origin: unknown. Affected: yes. Observed: 1 heterozygote. Study: ThromboGenomics.

Zotz-Klimas Genetics Lab, MVZ Zotz Klimas
Classification: Pathogenic for Congenital factor VII deficiency. Last evaluated: 2023-10-30. Review status: no assertion criteria provided. Collection method: clinical testing. Allele origin: germline. Affected: yes. Not counted in ClinVar's aggregate classification.

OMIM
Classification: Pathogenic for FACTOR VII DEFICIENCY. Last evaluated: 1994-10-01. Review status: no assertion criteria provided. Collection method: literature only. Allele origin: germline. Not counted in ClinVar's aggregate classification.

ISTH-SSC Genomics in Thrombosis and Hemostasis, KU Leuven, Center for Molecular and Vascular Biology
Classification: Pathogenic for Congenital factor VII deficiency. Review status: no assertion criteria provided. Collection method: research. Allele origin: unknown. Affected: yes. Not counted in ClinVar's aggregate classification.
Comment: Submitted to GoldVariant by Dr Karyn Mégy from NIHR Bioresource - Cambridge University, UK

Literature cited by the submitters: PubMed 11092214 (cited by Mayo Clinic Laboratories, Mayo Clinic); PubMed 14521598 (cited by Mayo Clinic Laboratories, Mayo Clinic); PubMed 15456489 (cited by Mayo Clinic Laboratories, Mayo Clinic); PubMed 15735798 (cited by Mayo Clinic Laboratories, Mayo Clinic); PubMed 18976247 (cited by Mayo Clinic Laboratories, Mayo Clinic and Victorian Clinical Genetics Services, Murdoch Childrens Research Institute); PubMed 22180436 (cited by Mayo Clinic Laboratories, Mayo Clinic); PubMed 24533960 (cited by Mayo Clinic Laboratories, Mayo Clinic); PubMed 27227566 (cited by Mayo Clinic Laboratories, Mayo Clinic); PubMed 29246447 (cited by Mayo Clinic Laboratories, Mayo Clinic); PubMed 29618153 (cited by Mayo Clinic Laboratories, Mayo Clinic); PubMed 7919338 (cited by Mayo Clinic Laboratories, Mayo Clinic and OMIM); PubMed 31064749 (cited by NIHR Bioresource Rare Diseases, University of Cambridge).

NM_019616.4(F7):c.1325del (p.Pro442fs)

Gene: F7 (coagulation factor VII; plus strand). Cytogenetic location: 13q34.
Variant type: Deletion.
Coding change: c.1325del on transcript NM_019616.4 (MANE Select); coding-DNA position 1325, one base deleted (C; older notation c.1325delC).
Protein change: p.Pro442fs; shifts the reading frame from proline 442.
Molecular consequence: frameshift variant. On other transcripts: non-coding transcript variant (1).
Genome position (GRCh38, 1-based): chr13:113,118,998, C deleted; the last of 4 consecutive C bases (chr13:113,118,995-113,118,998); deleting any one gives the same sequence. VCF-style (leftmost placement, unchanged base first): chr13-113118994-GC-G. GRCh37 (hg19) VCF-style: chr13-113773308-GC-G.
Other names: F7, 1-BP DEL, 11128C; p.Pro464Hisfs*32; c.1391delC (NM_000131.4); c.1391delC, p.Pro464Hisfs (NM_000131.5); c.1139del, p.Pro380fs (NM_001267554.2); short protein forms P442fs, P380fs, P464fs.
Identifiers: ClinVar variation 626999 (VCV000626999.37), dbSNP rs750457207, ClinGen allele CA7060277.
Genomic context (GRCh38, chr13:113,118,994, plus strand): 5'-TACATCGAGTGGCTGCAAAAGCTCATGCGCTCAGAGCCACGCCCAGGAGTCCTCCTGCGA[GC>G]CCCATTTCCCTAGCCCAGCAGCCCTGGCCTGTGGAGAGAAAGCCAAGGCTGCGTCGAACT-3'